The following is an entry in ClinVar:

NM_024675.4(PALB2):c.2642_2645dup (p.Cys882fs)

Gene: PALB2 (partner and localizer of BRCA2; minus strand). Cytogenetic location: 16p12.2.
Variant type: Duplication.
Coding change: c.2642_2645dup on transcript NM_024675.4 (MANE Select); coding-DNA positions 2642 to 2645, 4 bases duplicated (GTTG; older notation c.2642_2645dupGTTG).
Protein change: p.Cys882fs; shifts the reading frame from cysteine 882.
Molecular consequence: frameshift variant.
Genome position (GRCh38, 1-based): chr16:23,626,339-23,626,342, CAAC duplicated on the plus strand (GTTG on the coding strand, the reverse complement: PALB2 is on the minus strand); duplicating any 4 consecutive bases within chr16:23,626,339-23,626,343 gives the same sequence; the c. name uses the placement nearest the transcript's 3' end. VCF-style (leftmost placement, unchanged base first): chr16-23626338-A-ACAAC. GRCh37 (hg19) VCF-style: chr16-23637659-A-ACAAC.
Other names: c.2642_2645dup, p.Cys882fs (LRG_308t1); c.2642_2645dupGTTG (NM_024675.3); short protein forms C882fs.
Identifiers: ClinVar variation 182741 (VCV000182741.33), dbSNP rs730881868, ClinGen allele CA299663.

ClinVar aggregate classification (germline): Pathogenic. Review status: criteria provided, multiple submitters, no conflicts (2 of 4 stars). 11 submissions from 11 submitters: Pathogenic (10). 1 of the submissions does not count toward it. Last evaluated 2025-06-15.

Conditions:
PALB2-related disorder. Also called: PALB2-related condition; PALB2-related disorders.
PALB2-related cancer predisposition. Identifiers: MedGen CN377761, MONDO:0700272.
Hereditary cancer-predisposing syndrome. Also called: Tumor predisposition; Neoplastic Syndromes, Hereditary; Hereditary neoplastic syndrome; Hereditary Cancer Syndrome. Identifiers: Orphanet 140162, MedGen C0027672, MeSH D009386, MONDO:0015356.
Familial cancer of breast. Also called: BREAST CANCER, FAMILIAL; hereditary breast carcinoma; Hereditary breast cancer. Identifiers: Orphanet 227535, MedGen C0346153, MONDO:0016419, OMIM 114480. Disease mechanism: loss of function.
Malignant tumor of breast. Also called: Malignant breast neoplasm; Cancer breast. Identifiers: MedGen C0006142, MONDO:0007254. Disease mechanism: loss of function.

Submissions (11):

Labcorp Genetics (formerly Invitae), Labcorp
Classification: Pathogenic for Familial cancer of breast. Last evaluated: 2025-06-15. Review status: criteria provided, single submitter. Criteria: Invitae Variant Classification Sherloc (09022015). Collection method: clinical testing. Allele origin: germline.
Comment: This sequence change creates a premature translational stop signal (p.Cys882Trpfs*3) in the PALB2 gene. It is expected to result in an absent or disrupted protein product. Loss-of-function variants in PALB2 are known to be pathogenic (PMID: 17200668, 17200671, 17200672, 24136930, 25099575). This variant is not present in population databases (gnomAD no frequency). This premature translational stop signal has been observed in individual(s) with breast cancer (PMID: 26681312). ClinVar contains an entry for this variant (Variation ID: 182741). Algorithms developed to predict the effect of sequence changes on RNA splicing suggest that this variant may disrupt the consensus splice site. For these reasons, this variant has been classified as Pathogenic.

Ambry Genetics
Classification: Pathogenic for Hereditary cancer-predisposing syndrome. Last evaluated: 2025-05-29. Review status: criteria provided, single submitter. Criteria: Ambry Variant Classification Scheme 2023. Collection method: clinical testing. Allele origin: germline.
Comment: The c.2642_2645dupGTTG pathogenic mutation, located in coding exon 7 of the PALB2 gene, results from a duplication of GTTG between nucleotide positions 2642-2645, causing a translational frameshift with a predicted alternate stop codon (p.C882Wfs*3). This alteration has been identified in patients with breast cancer, who had NGS hereditary cancer panel testing (Frey MK et al. Gynecol. Oncol. 2017 07;146:123-128; Susswein LR et al. Genet. Med. 2016 Aug;18:823-32). This variant is considered to be rare based on population cohorts in the Genome Aggregation Database (gnomAD). In addition to the clinical data presented in the literature, this alteration is expected to result in loss of function by premature protein truncation or nonsense-mediated mRNA decay. As such, this alteration is interpreted as a disease-causing mutation.

Quest Diagnostics Nichols Institute San Juan Capistrano
Classification: Pathogenic. Last evaluated: 2025-05-23. Review status: criteria provided, single submitter. Criteria: Quest Diagnostics criteria. Collection method: clinical testing. Allele origin: unknown.
Comment: The PALB2 c.2642_2645dup (p.Cys882Trpfs*3) variant alters the translational reading frame of the PALB2 mRNA and causes the premature termination of PALB2 protein synthesis. This variant has been reported in the published literature in individuals with breast cancer (PMID: 34326862 (2021), 26681312 (2015)). Published functional studies indicate that this variant is damaging to protein function (PMID: 31757951 (2019)). This variant has not been reported in large, multi-ethnic general populations (Genome Aggregation Database). Based on the available information, this variant is classified as pathogenic.

Blueprint Genetics
Classification: Pathogenic for PALB2-related disorders. Last evaluated: 2024-03-28. Review status: criteria provided, single submitter. Criteria: ACMG Guidelines, 2015. Collection method: clinical testing. Allele origin: germline. Affected: yes. Observed: 1 variant allele.

GeneDx
Classification: Pathogenic. Last evaluated: 2023-09-18. Review status: criteria provided, single submitter. Criteria: GeneDx Variant Classification Process June 2021. Collection method: clinical testing. Allele origin: germline. Affected: yes.
Comment: Frameshift variant predicted to result in protein truncation or nonsense mediated decay in a gene for which loss of function is a known mechanism of disease; Published functional studies demonstrate a damaging effect: deficient homologous recombination efficiency and PARP inhibitor resistance (Boonen et al., 2019); Not observed at significant frequency in large population cohorts (gnomAD); Truncating variants in this gene are considered pathogenic by a well-established clinical consortium and/or database; This variant is associated with the following publications: (PMID: 28495237, 26681312, 17200668, 17200671, 17200672, 24136930, 25099575, 34326862, 32090079, 31757951)

Myriad Genetics, Inc.
Classification: Pathogenic for Familial cancer of breast. Last evaluated: 2023-09-13. Review status: criteria provided, single submitter. Criteria: Myriad Autosomal Dominant, Autosomal Recessive and X-Linked Classification Criteria (2023). Collection method: clinical testing. Allele origin: unknown.
Comment: This variant is considered pathogenic. This variant creates a frameshift predicted to result in premature protein truncation.

Baylor Genetics
Classification: Pathogenic for Familial cancer of breast. Last evaluated: 2022-08-30. Review status: criteria provided, single submitter. Criteria: ACMG Guidelines, 2015. Collection method: clinical testing. Allele origin: unknown.

Color Diagnostics, LLC DBA Color Health
Classification: Pathogenic for Hereditary cancer-predisposing syndrome. Last evaluated: 2022-08-15. Review status: criteria provided, single submitter. Criteria: ACMG Guidelines, 2015. Collection method: clinical testing. Allele origin: germline.
Comment: This variant inserts 4 nucleotides in exon 7 of the PALB2 gene, creating a frameshift and premature translation stop signal. This variant is expected to result in an absent or non-functional protein product. A functional study has reported that this variant results in the loss of PALB2 function in homology-directed repair and resistance to PARP inhibitor assays (PMID: 31757951). This variant has been reported in at least two individuals affected with breast cancer (PMID: 26681312, 28495237). This variant has not been identified in the general population by the Genome Aggregation Database (gnomAD). Loss of PALB2 function is a known mechanism of disease. Based on the available evidence, this variant is classified as Pathogenic.

Women's Health and Genetics/Laboratory Corporation of America, LabCorp
Classification: Pathogenic for Malignant tumor of breast. Last evaluated: 2022-06-30. Review status: criteria provided, single submitter. Criteria: LabCorp Variant Classification Summary - May 2015. Collection method: clinical testing. Allele origin: germline.
Comment: Variant summary: PALB2 c.2642_2645dupGTTG (p.Cys882TrpfsX3) results in a premature termination codon, predicted to cause a truncation of the encoded protein or absence of the protein due to nonsense mediated decay, which are commonly known mechanisms for disease. Truncations downstream of this position have been classified as pathogenic by our laboratory. The variant was absent in 251490 control chromosomes (gnomAD). c.2642_2645dupGTTG has been reported in the literature in settings of multigene panel testing in individuals with, and in some cases also a family history of, breast cancer (e.g. Susswein_2016, Frey_2017). In a functional study the variant displayed strong defects in homologous recombination, reducing its repair efficiency to approximately 6% of that of wildtype PALB2 (Boonen_2019). Consistent with these findings, cells expressing the variant were also more sensitive than wildtype to treatment with PARP inhibitors (Boonen_2019). Five clinical diagnostic laboratories have submitted clinical-significance assessments for this variant to ClinVar after 2014 and all classified the variant as pathogenic. Based on the evidence outlined above, the variant was classified as pathogenic.

University Health Network, Familial Cancer Clinic, Princess Margaret Cancer Centre
Classification: Pathogenic for PALB2-related cancer predisposition. Review status: criteria provided, single submitter. Criteria: ACMG Guidelines, 2015. Collection method: clinical testing. Allele origin: germline. Inheritance: Autosomal dominant inheritance. Affected: no. Observed: 1 variant allele.

PreventionGenetics, part of Exact Sciences
Classification: Pathogenic for PALB2-related condition. Last evaluated: 2024-08-20. Review status: no assertion criteria provided. Collection method: clinical testing. Allele origin: germline. Not counted in ClinVar's aggregate classification.
Comment: The PALB2 c.2642_2645dupGTTG variant is predicted to result in a frameshift and premature protein termination (p.Cys882Trpfs*3). This variant was reported in individuals with breast cancer (Supplementary Table S1, Susswein et al. 2016. PubMed ID: 26681312; Table S4, Bhai et al. 2021. PubMed ID: 34326862). Functional studies have demonstrated that this variant results in loss of PALB2 homology directed repair and resistance to PARP inhibitor assays (Boonen et al. 2019. PubMed ID: 31757951). This variant has not been reported in a large population database, indicating this variant is rare. This variant has been interpreted as pathogenic in ClinVar. Frameshift variants in PALB2 are expected to be pathogenic. This variant is interpreted as pathogenic.

Literature cited by the submitters: PubMed 17200668 (cited by Labcorp Genetics (formerly Invitae), Labcorp); PubMed 17200671 (cited by Labcorp Genetics (formerly Invitae), Labcorp); PubMed 17200672 (cited by Labcorp Genetics (formerly Invitae), Labcorp); PubMed 24136930 (cited by Labcorp Genetics (formerly Invitae), Labcorp); PubMed 25099575 (cited by Labcorp Genetics (formerly Invitae), Labcorp); PubMed 26681312 (cited by 5 submitters); PubMed 28495237 (cited by 3 submitters); PubMed 34326862 (cited by Quest Diagnostics Nichols Institute San Juan Capistrano); PubMed 31757951 (cited by 3 submitters).